The following is an entry in ClinVar:

ClinVar aggregate classification (germline): Likely benign (1 of 4 stars; one submission).

Conditions:
Giant axonal neuropathy 1 (GAN1). Also called: GAN-Related Neurodegeneration; GIANT AXONAL NEUROPATHY 1, AUTOSOMAL RECESSIVE. Identifiers: Orphanet 643, MedGen C1850386, MONDO:0009749, OMIM 256850.

Allele frequency attached by ClinVar (database versions not stated): 1000 Genomes Project 0.00260; 1000 Genomes Project 30x 0.00265; gnomAD 0.00267 and 0.00284; TOPMed 0.00313.

Submission:

Illumina Laboratory Services, Illumina
Classification: Likely benign for Giant axonal neuropathy 1. Last evaluated: 2018-01-12. Review status: criteria provided, single submitter. Criteria: ICSL Variant Classification Criteria 13 December 2019. Collection method: clinical testing. Allele origin: germline.
Comment: This variant was observed in the ICSL laboratory as part of a predisposition screen in an ostensibly healthy population. It had not been previously curated by ICSL or reported in the Human Gene Mutation Database (HGMD: prior to June 1st, 2018), and was therefore a candidate for classification through an automated scoring system. Utilizing variant allele frequency, disease prevalence and penetrance estimates, and inheritance mode, an automated score was calculated to assess if this variant is too frequent to cause the disease. Based on the score and internal cut-off values, a variant classified as likely benign is not then subjected to further curation. The score for this variant resulted in a classification of likely benign for this disease.

NM_022041.4(GAN):c.*1175C>A

Gene: GAN (gigaxonin; plus strand). Cytogenetic location: 16q23.2.
Variant type: single nucleotide variant.
Coding change: c.*1175C>A on transcript NM_022041.4 (MANE Select); 1175 bases downstream of the stop codon, C replaced by A.
Molecular consequence: 3 prime UTR variant.
Genome position (GRCh38, 1-based): chr16:81,378,771, C>A. VCF-style: chr16-81378771-C-A. GRCh37 (hg19) VCF-style: chr16-81412376-C-A.
Other names: c.*1175C>A (NM_001377486.1).
Identifiers: ClinVar variation 320686 (VCV000320686.5), dbSNP rs142989603, ClinGen allele CA10649030.
Genomic context (GRCh38, chr16:81,378,771, plus strand): 5'-GTAAAGTTTGGCTGGTAGAATAAACTACCTCAACTTAATTTCATTCTGTTCATAGTAGAG[C>A]AAATTAATCTTTTCCTCCTTCCCTCCTTTCCTATCTCTCATTCTCACCTCAACCCACTTT-3'